The following is an entry in ClinVar:

ClinVar aggregate classification (germline): Likely benign (1 of 4 stars; one submission).

Submission:

GeneDx
Classification: Likely benign. Last evaluated: 2018-01-23. Review status: criteria provided, single submitter. Criteria: GeneDx Variant Classification (06012015). Collection method: clinical testing. Allele origin: germline. Affected: yes.
Comment: This variant is considered likely benign or benign based on one or more of the following criteria: it is a conservative change, it occurs at a poorly conserved position in the protein, it is predicted to be benign by multiple in silico algorithms, and/or has population frequency not consistent with disease.

NM_002397.5(MEF2C):c.1375A>G (p.Ser459Gly)

Genes: MEF2C (myocyte enhancer factor 2C; minus strand), MEF2C-AS2 (MEF2C antisense RNA 2; plus strand). Cytogenetic location: 5q14.3.
Variant type: single nucleotide variant.
Coding change: c.1375A>G on transcript NM_002397.5 (MANE Select); coding-DNA position 1375, A replaced by G.
Protein change: p.Ser459Gly; replaces serine 459 with glycine.
Molecular consequence: missense variant. On other transcripts: non-coding transcript variant (1), 3 prime UTR variant (9).
Genome position (GRCh38, 1-based): chr5:88,722,651, T>C on the plus strand (A>G on the coding strand, the complement: MEF2C is on the minus strand). VCF-style: chr5-88722651-T-C. GRCh37 (hg19) VCF-style: chr5-88018468-T-C.
Other names: c.1345A>G, p.Ser449Gly (NM_001131005.2); c.1405A>G, p.Ser469Gly (NM_001193347.1); c.1207A>G, p.Ser403Gly (NM_001193348.1); c.1135A>G, p.Ser379Gly (NM_001193349.3, NM_001364332.2); c.1375A>G, p.Ser459Gly (NM_001193350.2, NM_001364329.2, NM_001364330.2 and 1 more transcripts); c.1351A>G, p.Ser451Gly (NM_001308002.3, NM_001364333.2); c.1279A>G, p.Ser427Gly (NM_001363581.2, NM_001364334.2, NM_001364335.2 and 2 more transcripts); c.1309A>G, p.Ser437Gly (NM_001364338.2); and 7 more; short protein forms S449G, S459G, S301G, S417G, S451G, S379G, S403G, S469G.
Identifiers: ClinVar variation 514957 (VCV000514957.1), dbSNP rs1554098520, ClinGen allele CA360421783.